The following is an entry in ClinVar:

ClinVar aggregate classification (germline): Conflicting classifications of pathogenicity. Review status: criteria provided, conflicting classifications (1 of 4 stars). 4 submissions from 4 submitters: Uncertain significance (3); Likely benign (1). Last evaluated 2025-06-11.

Conditions:
Hereditary cancer-predisposing syndrome. Also called: Hereditary Cancer Syndrome; Tumor predisposition; Neoplastic Syndromes, Hereditary; Hereditary neoplastic syndrome. Identifiers: Orphanet 140162, MedGen C0027672, MeSH D009386, MONDO:0015356.
Hereditary breast ovarian cancer syndrome. Also called: Hereditary breast and ovarian cancer syndrome; Hereditary breast and/or ovarian cancer syndrome; Hereditary breast and ovarian cancer syndrome (HBOC); Breast and ovarian cancer; Hereditary breast and ovarian cancer; BRCA1- and BRCA2-Associated Hereditary Breast and Ovarian Cancer. Identifiers: Orphanet 145, MedGen C0677776, MeSH D061325, MONDO:0003582. Disease mechanism: loss of function.

Allele frequency attached by ClinVar (database versions not stated): TOPMed 0.00001.

Submissions (4):

Labcorp Genetics (formerly Invitae), Labcorp
Classification: Uncertain significance for Hereditary breast ovarian cancer syndrome. Last evaluated: 2025-06-11. Review status: criteria provided, single submitter. Criteria: Invitae Variant Classification Sherloc (09022015). Collection method: clinical testing. Allele origin: germline.
Comment: This sequence change replaces asparagine, which is neutral and polar, with lysine, which is basic and polar, at codon 1102 of the BRCA2 protein (p.Asn1102Lys). This variant is not present in population databases (gnomAD no frequency). This variant has not been reported in the literature in individuals affected with BRCA2-related conditions. ClinVar contains an entry for this variant (Variation ID: 864065). Invitae Evidence Modeling of protein sequence and biophysical properties (such as structural, functional, and spatial information, amino acid conservation, physicochemical variation, residue mobility, and thermodynamic stability) indicates that this missense variant is not expected to disrupt BRCA2 protein function with a negative predictive value of 95%. In summary, the available evidence is currently insufficient to determine the role of this variant in disease. Therefore, it has been classified as a Variant of Uncertain Significance.

Ambry Genetics
Classification: Uncertain significance for Hereditary cancer-predisposing syndrome. Last evaluated: 2024-09-30. Review status: criteria provided, single submitter. Criteria: Ambry Variant Classification Scheme 2023. Collection method: clinical testing. Allele origin: germline.
Comment: The p.N1102K variant (also known as c.3306T>A), located in coding exon 10 of the BRCA2 gene, results from a T to A substitution at nucleotide position 3306. The asparagine at codon 1102 is replaced by lysine, an amino acid with similar properties. This amino acid position is conserved. In addition, this alteration is predicted to be tolerated by in silico analysis. Based on the available evidence, the clinical significance of this variant remains unclear.

University of Washington Department of Laboratory Medicine, University of Washington
Classification: Likely benign for Hereditary cancer-predisposing syndrome. Last evaluated: 2023-03-23. Review status: criteria provided, single submitter. Criteria: Dines et al. (Genet Med. 2020). Collection method: curation. Allele origin: germline.
Comment: Missense variant in a coldspot region where missense variants are very unlikely to be pathogenic (PMID:31911673).

BRCA2 exon 11 coldspot. Reclassification based on statistical prior probability.

Quest Diagnostics Nichols Institute San Juan Capistrano
Classification: Uncertain significance. Last evaluated: 2023-02-15. Review status: criteria provided, single submitter. Criteria: Quest Diagnostics criteria. Collection method: clinical testing. Allele origin: unknown.
Comment: The variant has not been reported in the published literature. It also has not been reported in large, multi-ethnic general populations. Analysis of this variant using bioinformatics tools for the prediction of the effect of amino acid changes on protein structure and function yielded predictions that this variant is benign. Based on the available information, we are unable to determine the clinical significance of this variant.

NM_000059.4(BRCA2):c.3306T>A (p.Asn1102Lys)

Gene: BRCA2 (BRCA2 DNA repair associated; plus strand). Cytogenetic location: 13q13.1.
Variant type: single nucleotide variant.
Coding change: c.3306T>A on transcript NM_000059.4 (MANE Select); coding-DNA position 3306, T replaced by A.
Protein change: p.Asn1102Lys; replaces asparagine 1102 with lysine.
Molecular consequence: missense variant.
Genome position (GRCh38, 1-based): chr13:32,337,661, T>A. VCF-style: chr13-32337661-T-A. GRCh37 (hg19) VCF-style: chr13-32911798-T-A.
Other names: short protein forms N1102K.
Identifiers: ClinVar variation 864065 (VCV000864065.13), dbSNP rs1300305757, ClinGen allele CA387776187.